The following is an entry in ClinVar:

NM_000186.4(CFH):c.1953_1954del (p.His651fs)

Gene: CFH (complement factor H; plus strand). Cytogenetic location: 1q31.3.
Variant type: Microsatellite.
Coding change: c.1953_1954del on transcript NM_000186.4 (MANE Select); coding-DNA positions 1953 to 1954, 2 bases deleted (CA; older notation c.1953_1954delCA).
Protein change: p.His651fs; shifts the reading frame from histidine 651.
Molecular consequence: frameshift variant.
Genome position (GRCh38, 1-based): chr1:196,726,549-196,726,550, CA deleted; deleting any 2 consecutive bases within chr1:196,726,546-196,726,550 gives the same sequence; the c. name uses the placement nearest the transcript's 3' end. VCF-style (leftmost placement, unchanged base first): chr1-196726545-GAC-G. GRCh37 (hg19) VCF-style: chr1-196695675-GAC-G.
Other names: short protein forms H651fs.
Identifiers: ClinVar variation 1457496 (VCV001457496.6), dbSNP rs2149108488, ClinGen allele CA2580611215.

ClinVar aggregate classification (germline): Pathogenic (1 of 4 stars; one submission).

Submission:

Labcorp Genetics (formerly Invitae), Labcorp
Classification: Pathogenic. Last evaluated: 2021-04-09. Review status: criteria provided, single submitter. Criteria: Invitae Variant Classification Sherloc (09022015). Collection method: clinical testing. Allele origin: germline.
Comment: For these reasons, this variant has been classified as Pathogenic. This variant has not been reported in the literature in individuals with CFH-related conditions. This variant is not present in population databases (ExAC no frequency). This sequence change creates a premature translational stop signal (p.His651Glnfs*2) in the CFH gene. It is expected to result in an absent or disrupted protein product. Loss-of-function variants in CFH are known to be pathogenic (PMID: 11170896, 14978182, 16621965, 23870792, 25188723).

Literature cited by the submitters: PubMed 11170896; PubMed 14978182; PubMed 16621965; PubMed 23870792; PubMed 25188723.